The following is an entry in ClinVar:

ClinVar aggregate classification (germline): Uncertain significance (1 of 4 stars; one submission).

Conditions:
Charcot-Marie-Tooth disease axonal type 2O. Also called: CHARCOT-MARIE-TOOTH NEUROPATHY, AXONAL, TYPE 2O; CHARCOT-MARIE-TOOTH DISEASE, AXONAL, AUTOSOMAL DOMINANT, TYPE 2O; Charcot-Marie-Tooth Neuropathy Type 2O; Charcot-Marie-Tooth disease, axonal, type 20. Identifiers: Orphanet 284232, MedGen C3280220, MONDO:0013644, OMIM 614228.

Allele frequency attached by ClinVar (database versions not stated): gnomAD exomes below 0.00001; gnomAD 0.00001.
gnomAD v4.1: 4 of 1,613,140 alleles (0.00025%); highest among the groups gnomAD compares: South Asian, 0.0011%; no homozygotes.

Submission:

Labcorp Genetics (formerly Invitae), Labcorp
Classification: Uncertain significance for Charcot-Marie-Tooth disease axonal type 2O. Last evaluated: 2024-05-16. Review status: criteria provided, single submitter. Criteria: Invitae Variant Classification Sherloc (09022015). Collection method: clinical testing. Allele origin: germline.
Comment: This sequence change replaces threonine, which is neutral and polar, with methionine, which is neutral and non-polar, at codon 2144 of the DYNC1H1 protein (p.Thr2144Met). This variant is present in population databases (no rsID available, gnomAD 0.01%). This variant has not been reported in the literature in individuals affected with DYNC1H1-related conditions. ClinVar contains an entry for this variant (Variation ID: 2175707). Advanced modeling of protein sequence and biophysical properties (such as structural, functional, and spatial information, amino acid conservation, physicochemical variation, residue mobility, and thermodynamic stability) has been performed at Invitae for this missense variant, however the output from this modeling did not meet the statistical confidence thresholds required to predict the impact of this variant on DYNC1H1 protein function. In summary, the available evidence is currently insufficient to determine the role of this variant in disease. Therefore, it has been classified as a Variant of Uncertain Significance.

NM_001376.5(DYNC1H1):c.6431C>T (p.Thr2144Met)

Gene: DYNC1H1 (dynein cytoplasmic 1 heavy chain 1; plus strand). Cytogenetic location: 14q32.31.
Variant type: single nucleotide variant.
Coding change: c.6431C>T on transcript NM_001376.5 (MANE Select); coding-DNA position 6431, C replaced by T.
Protein change: p.Thr2144Met; replaces threonine 2144 with methionine.
Molecular consequence: missense variant.
Genome position (GRCh38, 1-based): chr14:102,010,765, C>T. VCF-style: chr14-102010765-C-T. GRCh37 (hg19) VCF-style: chr14-102477102-C-T.
Other names: short protein forms T2144M.
Identifiers: ClinVar variation 2175707 (VCV002175707.4), dbSNP rs1355108231, ClinGen allele CA391055310.